The following is an entry in ClinVar:

NC_000001.10:g.(?_12052592)_(12057498_?)dup

Gene: MFN2 (mitofusin 2; plus strand). Cytogenetic location: 1p36.22.
Variant type: Duplication.
Identifiers: ClinVar variation 543300 (VCV000543300.2).

ClinVar aggregate classification (germline): Likely pathogenic (1 of 4 stars; one submission).

Conditions:
Charcot-Marie-Tooth disease type 2. Also called: Charcot-Marie-Tooth type 2. Identifiers: Orphanet 64746, MedGen C0270914, MONDO:0018993.

Submission:

Labcorp Genetics (formerly Invitae), Labcorp
Classification: Likely pathogenic for Charcot-Marie-Tooth disease type 2. Last evaluated: 2022-04-02. Review status: criteria provided, single submitter. Criteria: Invitae Variant Classification Sherloc (09022015). Collection method: clinical testing. Allele origin: germline.
Comment: This variant results in a copy number gain of the genomic region encompassing exon(s) 4-6 of the MFN2 gene. While the exact position of this variant cannot be determined from the data, sub-genic copy number gains are generally in tandem (PMID: 25640679). This variant is predicted to be out-of-frame, and may result in an absent or disrupted protein product. Loss-of-function variants in MFN2 are known to be pathogenic (PMID: 16714318, 21715711, 26955893). This variant has not been observed in the literature in individuals with autosomal recessive MFN2-related conditions. This variant has been reported in individual(s) with autosomal dominant Charcot-Marie-Tooth disease (PMID: 33415332); however, the role of the variant in this condition is currently unclear. In summary, the currently available evidence indicates that the variant is pathogenic, but additional data are needed to prove that conclusively. Therefore, this variant has been classified as Likely Pathogenic.

Literature cited by the submitters: PubMed 25640679; PubMed 16714318; PubMed 21715711; PubMed 26955893; PubMed 33415332.